The following is an entry in ClinVar:

ClinVar aggregate classification (germline): Uncertain significance (1 of 4 stars; one submission).

Conditions:
Spondyloenchondrodysplasia with immune dysregulation (SPENCDI). Also called: SPONDYLOENCHONDRODYSPLASIA WITH OR WITHOUT IMMUNE DYSREGULATION; COMBINED IMMUNODEFICIENCY WITH AUTOIMMUNITY AND SPONDYLOMETAPHYSEAL DYSPLASIA; ROIFMAN IMMUNOSKELETAL SYNDROME. Identifiers: Orphanet 1855, MedGen C1842763, MONDO:0011939, OMIM 607944.

Submission:

Labcorp Genetics (formerly Invitae), Labcorp
Classification: Uncertain significance for Spondyloenchondrodysplasia with immune dysregulation. Last evaluated: 2021-04-18. Review status: criteria provided, single submitter. Criteria: Invitae Variant Classification Sherloc (09022015). Collection method: clinical testing. Allele origin: germline.
Comment: In summary, the available evidence is currently insufficient to determine the role of this variant in disease. Therefore, it has been classified as a Variant of Uncertain Significance. Experimental studies and prediction algorithms are not available or were not evaluated, and the functional significance of this variant is currently unknown. This variant has not been reported in the literature in individuals with ACP5-related conditions. This variant is not present in population databases (ExAC no frequency). This sequence change affects the initiator methionine of the ACP5 mRNA. The next in-frame methionine is located at codon 3.

NM_001611.5(ACP5):c.1A>G (p.Met1Val)

Gene: ACP5 (acid phosphatase 5, tartrate resistant; minus strand). Cytogenetic location: 19p13.2.
Variant type: single nucleotide variant.
Coding change: c.1A>G on transcript NM_001611.5 (MANE Select); coding-DNA position 1, A replaced by G.
Protein change: p.Met1Val; changes the start codon (methionine 1).
Molecular consequence: missense variant, initiator codon variant.
Genome position (GRCh38, 1-based): chr19:11,577,317, T>C on the plus strand (A>G on the coding strand, the complement: ACP5 is on the minus strand). VCF-style: chr19-11577317-T-C. GRCh37 (hg19) VCF-style: chr19-11688132-T-C.
Other names: c.1A>G, p.Met1Val (NM_001111034.3, NM_001111035.3, NM_001111036.3 and 1 more transcripts); short protein forms M1V.
Identifiers: ClinVar variation 1421825 (VCV001421825.9), dbSNP rs2145093934, ClinGen allele CA404149756.